The following is an entry in ClinVar:

NM_033641.4(COL4A6):c.4259G>C (p.Ser1420Thr)

Gene: COL4A6 (collagen type IV alpha 6 chain; minus strand). Cytogenetic location: Xq22.3.
Variant type: single nucleotide variant.
Coding change: c.4259G>C on transcript NM_033641.4 (MANE Select); coding-DNA position 4259, G replaced by C.
Protein change: p.Ser1420Thr; replaces serine 1420 with threonine.
Molecular consequence: missense variant.
Genome position (GRCh38, 1-based): chrX:108,161,693, C>G on the plus strand (G>C on the coding strand, the complement: COL4A6 is on the minus strand). VCF-style: chrX-108161693-C-G. GRCh37 (hg19) VCF-style: chrX-107404923-C-G.
Other names: c.4310G>C, p.Ser1437Thr (NM_001287758.2); c.4187G>C, p.Ser1396Thr (NM_001287759.2); c.4088G>C, p.Ser1363Thr (NM_001287760.2); c.4262G>C, p.Ser1421Thr (NM_001847.4); short protein forms S1363T, S1396T, S1420T, S1421T, S1437T.
Identifiers: ClinVar variation 2632219 (VCV002632219.1), dbSNP rs1382004985, ClinGen allele CA413851720.
Genomic context (GRCh38, chrX:108,161,693, plus strand): 5'-GGGCCTTGCAGTCCAGGCAGACCAGGATCACCAAGAGCCCCAGGTGGGCCTGGGAGCCCA[C>G]TGGGGCCATCTTTACCGGGGATGCCAGGTAAACCTTTGGAGCCTGCAGGAGAGAAAGCCC-3'
Protein context (NP_378667.1, residues 1410-1430): LPGIPGKDGP[Ser1420Thr]GLPGPPGALG

ClinVar aggregate classification (germline): Uncertain significance (1 of 4 stars; one submission).

Conditions:
COL4A6-related disorder. Also called: COL4A6-related condition.

Submission:

PreventionGenetics, part of Exact Sciences
Classification: Uncertain significance for COL4A6-related condition. Last evaluated: 2023-06-20. Review status: criteria provided, single submitter. Criteria: ACMG Guidelines, 2015. Collection method: clinical testing. Allele origin: germline.
Comment: The COL4A6 c.4262G>C variant is predicted to result in the amino acid substitution p.Ser1421Thr. To our knowledge, this variant has not been reported in the literature or in a large population database, indicating this variant is rare. At this time, the clinical significance of this variant is uncertain due to the absence of conclusive functional and genetic evidence.